The following is an entry in ClinVar:

ClinVar aggregate classification (germline): Uncertain significance. Review status: criteria provided, multiple submitters, no conflicts (2 of 4 stars). 5 submissions from 5 submitters: Uncertain significance (3). 2 of the submissions do not count toward it. Last evaluated 2024-04-10.

Conditions:
ATP6V1B1-related disorder. Also called: ATP6V1B1-related condition.
Renal tubular acidosis with progressive nerve deafness. Also called: RENAL TUBULAR ACIDOSIS, AUTOSOMAL RECESSIVE, WITH PROGRESSIVE NERVE DEAFNESS; RTA WITH PROGRESSIVE NERVE DEAFNESS; Distal Renal Tubular Acidosis with Progressive Sensorineural Deafness; renal tubular acidosis, distal, 2, with progressive sensorineural hearing loss. Identifiers: MedGen C0403554, MONDO:0009968, OMIM 267300.

Allele frequency attached by ClinVar (database versions not stated): gnomAD below 0.00001 and 0.00007; TOPMed 0.00002; gnomAD exomes 0.00007 and 0.00015; ExAC 0.00017; 1000 Genomes Project 30x 0.00031; 1000 Genomes Project 0.00040.
gnomAD v4.1: 122 of 1,613,532 alleles (0.0076%); highest among the groups gnomAD compares: South Asian, 0.13%; no homozygotes.

Submissions (5):

Fulgent Genetics
Classification: Uncertain significance for Renal tubular acidosis with progressive nerve deafness. Last evaluated: 2024-04-10. Review status: criteria provided, single submitter. Criteria: ACMG Guidelines, 2015. Collection method: clinical testing. Allele origin: germline.

Labcorp Genetics (formerly Invitae), Labcorp
Classification: Uncertain significance. Last evaluated: 2022-07-14. Review status: criteria provided, single submitter. Criteria: Invitae Variant Classification Sherloc (09022015). Collection method: clinical testing. Allele origin: germline.
Comment: This sequence change replaces proline, which is neutral and non-polar, with leucine, which is neutral and non-polar, at codon 490 of the ATP6V1B1 protein (p.Pro490Leu). This variant is present in population databases (rs544337438, gnomAD 0.1%). This missense change has been observed in individual(s) with distal renal tubular acidosis (PMID: 28188436). ClinVar contains an entry for this variant (Variation ID: 336928). Algorithms developed to predict the effect of missense changes on protein structure and function are either unavailable or do not agree on the potential impact of this missense change (SIFT: "Deleterious"; PolyPhen-2: "Possibly Damaging"; Align-GVGD: "Class C0"). In summary, the available evidence is currently insufficient to determine the role of this variant in disease. Therefore, it has been classified as a Variant of Uncertain Significance.

Illumina Laboratory Services, Illumina
Classification: Uncertain significance for Renal tubular acidosis with progressive nerve deafness. Last evaluated: 2018-01-13. Review status: criteria provided, single submitter. Criteria: ICSL Variant Classification Criteria 13 December 2019. Collection method: clinical testing. Allele origin: germline.

PreventionGenetics, part of Exact Sciences
Classification: Uncertain significance for ATP6V1B1-related condition. Last evaluated: 2024-06-06. Review status: no assertion criteria provided. Collection method: clinical testing. Allele origin: germline. Not counted in ClinVar's aggregate classification.
Comment: The ATP6V1B1 c.1469C>T variant is predicted to result in the amino acid substitution p.Pro490Leu. This variant was reported along with a second ATP6V1B1 variant in a patient with distal renal tubular acidosis (Besouw et al .2017. PubMed ID: 28188436). This variant is reported in 0.12% of alleles in individuals of South Asian descent in gnomAD. Although we suspect that this variant may be pathogenic, at this time, the clinical significance of this variant is uncertain due to the absence of conclusive functional and genetic evidence.

Counsyl
Classification: Uncertain significance for Renal tubular acidosis with progressive nerve deafness. Last evaluated: 2017-10-24. Review status: no assertion criteria provided. Collection method: clinical testing. Allele origin: unknown. Not counted in ClinVar's aggregate classification.

Literature cited by the submitters: PubMed 28188436 (cited by Labcorp Genetics (formerly Invitae), Labcorp and Counsyl).

NM_001692.4(ATP6V1B1):c.1469C>T (p.Pro490Leu)

Gene: ATP6V1B1 (ATPase H+ transporting V1 subunit B1; plus strand). Cytogenetic location: 2p13.3.
Variant type: single nucleotide variant.
Coding change: c.1469C>T on transcript NM_001692.4 (MANE Select); coding-DNA position 1469, C replaced by T.
Protein change: p.Pro490Leu; replaces proline 490 with leucine.
Molecular consequence: missense variant.
Genome position (GRCh38, 1-based): chr2:70,965,048, C>T. VCF-style: chr2-70965048-C-T. GRCh37 (hg19) VCF-style: chr2-71192178-C-T.
Other names: short protein forms P490L.
Identifiers: ClinVar variation 336928 (VCV000336928.10), dbSNP rs544337438, ClinGen allele CA1701373.
Genomic context (GRCh38, chr2:70,965,048, plus strand): 5'-CGCTGGACCTGGGCTGGAAGCTGCTGCGCATCTTCCCCAAGGAGATGCTGAAGCGCATTC[C>T]GCAGGCCGTGATCGACGAGTTCTATTCCCGCGAGGGGGCGCTGCAGGACCTCGCGCCTGA-3'
Protein context (NP_001683.2, residues 480-500): IFPKEMLKRI[Pro490Leu]QAVIDEFYSR